The following is an entry in ClinVar:

ClinVar aggregate classification (germline): Uncertain significance (1 of 4 stars; one submission).

gnomAD v4.1: 1 of 1,614,114 alleles (0.000062%); highest among the groups gnomAD compares: Middle Eastern, 0.017%; no homozygotes.

Submission:

Labcorp Genetics (formerly Invitae), Labcorp
Classification: Uncertain significance. Last evaluated: 2023-06-14. Review status: criteria provided, single submitter. Criteria: Invitae Variant Classification Sherloc (09022015). Collection method: clinical testing. Allele origin: germline.
Comment: In summary, the available evidence is currently insufficient to determine the role of this variant in disease. Therefore, it has been classified as a Variant of Uncertain Significance. An algorithm developed to predict the effect of missense changes on protein structure and function (PolyPhen-2) suggests that this variant is likely to be disruptive. This variant has not been reported in the literature in individuals affected with BNC2-related conditions. This variant is present in population databases (no rsID available, gnomAD 0.0009%). This sequence change replaces valine, which is neutral and non-polar, with isoleucine, which is neutral and non-polar, at codon 569 of the BNC2 protein (p.Val569Ile).

NM_017637.6(BNC2):c.1705G>A (p.Val569Ile)

Gene: BNC2 (basonuclin zinc finger protein 2; minus strand). Cytogenetic location: 9p22.3.
Variant type: single nucleotide variant.
Coding change: c.1705G>A on transcript NM_017637.6 (MANE Select); coding-DNA position 1705, G replaced by A.
Protein change: p.Val569Ile; replaces valine 569 with isoleucine.
Molecular consequence: missense variant.
Genome position (GRCh38, 1-based): chr9:16,436,489, C>T on the plus strand (G>A on the coding strand, the complement: BNC2 is on the minus strand). VCF-style: chr9-16436489-C-T. GRCh37 (hg19) VCF-style: chr9-16436487-C-T.
Other names: c.1579G>A, p.Val527Ile (NM_001317939.2); c.1420G>A, p.Val474Ile (NM_001317940.2); short protein forms V527I, V474I, V569I.
Identifiers: ClinVar variation 2998057 (VCV002998057.3), dbSNP rs1438172570, ClinGen allele CA372992865.